The following is an entry in ClinVar:

ClinVar aggregate classification (germline): Uncertain significance (1 of 4 stars; one submission).

Submission:

GeneDx
Classification: Uncertain significance. Last evaluated: 2025-07-08. Review status: criteria provided, single submitter. Criteria: GeneDx Variant Classification Process June 2021. Collection method: clinical testing. Allele origin: germline. Affected: yes.
Comment: Not observed at significant frequency in large population cohorts (gnomAD); Has not been previously published as pathogenic or benign to our knowledge; In silico analysis is inconclusive as to whether the variant alters gene splicing. In the absence of RNA/functional studies, the actual effect of this sequence change is unknown.

NM_007289.4(MME):c.958-10T>G

Gene: MME (membrane metalloendopeptidase; plus strand). Cytogenetic location: 3q25.2.
Variant type: single nucleotide variant.
Coding change: c.958-10T>G on transcript NM_007289.4 (MANE Select); 10 bases into the intron before coding-DNA position 958, T replaced by G.
Molecular consequence: intron variant.
Genome position (GRCh38, 1-based): chr3:155,141,981, T>G. VCF-style: chr3-155141981-T-G. GRCh37 (hg19) VCF-style: chr3-154859770-T-G.
Other names: c.958-10T>G (NM_001354642.2, NM_000902.5, NM_007287.4 and 2 more transcripts).
Identifiers: ClinVar variation 4685261 (VCV004685261.1).